The following is an entry in ClinVar:

NM_001113378.2(FANCI):c.3684dup (p.Lys1229fs)

Gene: FANCI (FA complementation group I; plus strand). Cytogenetic location: 15q26.1.
Variant type: Duplication.
Coding change: c.3684dup on transcript NM_001113378.2 (MANE Select); coding-DNA position 3684, one base duplicated (G; older notation c.3684dupG).
Protein change: p.Lys1229fs; shifts the reading frame from lysine 1229.
Molecular consequence: frameshift variant.
Genome position (GRCh38, 1-based): chr15:89,312,936, G duplicated. VCF-style (leftmost placement, unchanged base first): chr15-89312935-A-AG. GRCh37 (hg19) VCF-style: chr15-89856166-A-AG.
Other names: c.3405dup, p.Lys1136fs (NM_001376910.1); c.3684dup, p.Lys1229fs (NM_001376911.1); c.3504dup, p.Lys1169fs (NM_018193.3); short protein forms K1136fs, K1229fs, K1169fs.
Identifiers: ClinVar variation 2995223 (VCV002995223.3), dbSNP rs2491390525, ClinGen allele CA2740096754.

ClinVar aggregate classification (germline): Pathogenic (1 of 4 stars; one submission).

Conditions:
Fanconi anemia (FA). Also called: Fanconi's anemia. Identifiers: Orphanet 84, MedGen C0015625, MeSH D005199, MONDO:0019391.

Submission:

Labcorp Genetics (formerly Invitae), Labcorp
Classification: Pathogenic for Fanconi anemia. Last evaluated: 2024-01-29. Review status: criteria provided, single submitter. Criteria: Invitae Variant Classification Sherloc (09022015). Collection method: clinical testing. Allele origin: germline.
Comment: This sequence change creates a premature translational stop signal (p.Lys1229Glufs*24) in the FANCI gene. It is expected to result in an absent or disrupted protein product. Loss-of-function variants in FANCI are known to be pathogenic (PMID: 17452773, 17460694). This variant is not present in population databases (gnomAD no frequency). This variant has not been reported in the literature in individuals affected with FANCI-related conditions. For these reasons, this variant has been classified as Pathogenic.

Literature cited by the submitters: PubMed 17452773; PubMed 17460694.